The following is an entry in ClinVar:

NM_001365536.1(SCN9A):c.3628-1G>A

Genes: SCN1A-AS1 (SCN1A and SCN9A antisense RNA 1; plus strand), SCN9A (sodium voltage-gated channel alpha subunit 9; minus strand). Cytogenetic location: 2q24.3.
Variant type: single nucleotide variant.
Coding change: c.3628-1G>A on transcript NM_001365536.1 (MANE Select); the canonical splice acceptor site of the intron before coding-DNA position 3628, G replaced by A.
Molecular consequence: splice acceptor variant.
Genome position (GRCh38, 1-based): chr2:166,238,268, C>T on the plus strand (G>A on the coding strand, the complement: SCN9A is on the minus strand). VCF-style: chr2-166238268-C-T. GRCh37 (hg19) VCF-style: chr2-167094778-C-T.
Other names: c.3595-1G>A (NM_002977.4).
Identifiers: ClinVar variation 2931228 (VCV002931228.3), dbSNP rs975329861, ClinGen allele CA59813673.
Genomic context (GRCh38, chr2:166,238,268, plus strand): 5'-TGCATACTCCAGGATAATCTTAATGGTCTTTTTCCTTTCAATATAAATATCTTCAAAAGC[C>T]TGTGGAAATAATATTCAAGTTTCAATCATGCACAACTTAAGCTTCATGATTCATTTAAAA-3'

ClinVar aggregate classification (germline): Likely pathogenic (1 of 4 stars; one submission).

Conditions:
Neuropathy, hereditary sensory and autonomic, type 2A (HSAN2A). Also called: ACROOSTEOLYSIS, GIACCAI TYPE; ACROOSTEOLYSIS, NEUROGENIC; WNK1-Related HSAN2 (HSAN2A); MORVAN DISEASE; NEUROPATHY, CONGENITAL SENSORY; NEUROPATHY, HEREDITARY SENSORY RADICULAR, AUTOSOMAL RECESSIVE. Identifiers: Orphanet 970, MedGen C2752089, MONDO:0024309, OMIM 201300.
Generalized epilepsy with febrile seizures plus, type 7 (GEFSP7). Also called: GEFS+, TYPE 7. Identifiers: Orphanet 36387, MedGen C2751778, MONDO:0013470, OMIM 613863.

Allele frequency attached by ClinVar (database versions not stated): gnomAD exomes below 0.00001.
gnomAD v4.1: 2 of 1,538,048 alleles (0.00013%); highest among the groups gnomAD compares: Non-Finnish European, 0.00018%; no homozygotes.

Submission:

Labcorp Genetics (formerly Invitae), Labcorp
Classification: Likely pathogenic for Neuropathy, hereditary sensory and autonomic, type 2A; Generalized epilepsy with febrile seizures plus, type 7. Last evaluated: 2024-06-04. Review status: criteria provided, single submitter. Criteria: Invitae Variant Classification Sherloc (09022015). Collection method: clinical testing. Allele origin: germline.
Comment: This sequence change affects an acceptor splice site in intron 19 of the SCN9A gene. It is expected to disrupt RNA splicing. Variants that disrupt the donor or acceptor splice site typically lead to a loss of protein function (PMID: 16199547), and loss-of-function variants in SCN9A are known to be pathogenic (PMID: 17470132, 19304393). This variant is not present in population databases (gnomAD no frequency). This variant has not been reported in the literature in individuals affected with SCN9A-related conditions. Algorithms developed to predict the effect of sequence changes on RNA splicing suggest that this variant may disrupt the consensus splice site. In summary, the currently available evidence indicates that the variant is pathogenic, but additional data are needed to prove that conclusively. Therefore, this variant has been classified as Likely Pathogenic.

Literature cited by the submitters: PubMed 16199547; PubMed 17470132; PubMed 19304393.